The following is an entry in ClinVar:

NM_022367.4(SEMA4A):c.1634G>A (p.Trp545Ter)

Gene: SEMA4A (semaphorin 4A; plus strand). Cytogenetic location: 1q22.
Variant type: single nucleotide variant.
Coding change: c.1634G>A on transcript NM_022367.4 (MANE Select); coding-DNA position 1634, G replaced by A.
Protein change: p.Trp545Ter; replaces tryptophan 545 with a stop codon.
Molecular consequence: nonsense.
Genome position (GRCh38, 1-based): chr1:156,175,597, G>A. VCF-style: chr1-156175597-G-A. GRCh37 (hg19) VCF-style: chr1-156145388-G-A.
Other names: c.1634G>A, p.Trp545Ter (NM_001193300.2, NM_001193301.2, NM_001370567.1); c.1238G>A, p.Trp413Ter (NM_001193302.2); c.1337G>A, p.Trp446Ter (NM_001370568.1); c.1127G>A, p.Trp376Ter (NM_001370569.1, NM_001370571.1); short protein forms W376*, W413*, W446*, W545*.
Identifiers: ClinVar variation 1419164 (VCV001419164.6), dbSNP rs2103011226, ClinGen allele CA342809985.

ClinVar aggregate classification (germline): Uncertain significance (1 of 4 stars; one submission).

Submission:

Labcorp Genetics (formerly Invitae), Labcorp
Classification: Uncertain significance. Last evaluated: 2022-03-10. Review status: criteria provided, single submitter. Criteria: Invitae Variant Classification Sherloc (09022015). Collection method: clinical testing. Allele origin: germline.
Comment: In summary, the available evidence is currently insufficient to determine the role of this variant in disease. Therefore, it has been classified as a Variant of Uncertain Significance. This sequence change creates a premature translational stop signal (p.Trp545*) in the SEMA4A gene. It is expected to result in an absent or disrupted protein product. However, the current clinical and genetic evidence is not sufficient to establish whether loss-of-function variants in SEMA4A cause disease. This variant has not been reported in the literature in individuals affected with SEMA4A-related conditions. This variant is not present in population databases (gnomAD no frequency).